The following is an entry in ClinVar:

NM_004655.4(AXIN2):c.877C>T (p.Pro293Ser)

Gene: AXIN2 (axin 2; minus strand). Cytogenetic location: 17q24.1.
Variant type: single nucleotide variant.
Coding change: c.877C>T on transcript NM_004655.4 (MANE Select); coding-DNA position 877, C replaced by T.
Protein change: p.Pro293Ser; replaces proline 293 with serine.
Molecular consequence: missense variant.
Genome position (GRCh38, 1-based): chr17:65,549,599, G>A on the plus strand (C>T on the coding strand, the complement: AXIN2 is on the minus strand). VCF-style: chr17-65549599-G-A. GRCh37 (hg19) VCF-style: chr17-63545717-G-A.
Other names: c.877C>T, p.Pro293Ser (NM_001363813.1); short protein forms P293S.
Identifiers: ClinVar variation 2871395 (VCV002871395.3), dbSNP rs2044163867, ClinGen allele CA400679586.

ClinVar aggregate classification (germline): Uncertain significance (1 of 4 stars; one submission).

Conditions:
Oligodontia-cancer predisposition syndrome. Also called: TOOTH AGENESIS-COLORECTAL CANCER SYNDROME. Identifiers: Orphanet 300576, MedGen C1837750, MONDO:0012075, OMIM 608615. Disease mechanism: loss of function.

Submission:

Labcorp Genetics (formerly Invitae), Labcorp
Classification: Uncertain significance for Oligodontia-cancer predisposition syndrome. Last evaluated: 2023-06-06. Review status: criteria provided, single submitter. Criteria: Invitae Variant Classification Sherloc (09022015). Collection method: clinical testing. Allele origin: germline.
Comment: This sequence change replaces proline, which is neutral and non-polar, with serine, which is neutral and polar, at codon 293 of the AXIN2 protein (p.Pro293Ser). In summary, the available evidence is currently insufficient to determine the role of this variant in disease. Therefore, it has been classified as a Variant of Uncertain Significance. Advanced modeling of protein sequence and biophysical properties (such as structural, functional, and spatial information, amino acid conservation, physicochemical variation, residue mobility, and thermodynamic stability) performed at Invitae indicates that this missense variant is expected to disrupt AXIN2 protein function. This variant has not been reported in the literature in individuals affected with AXIN2-related conditions. This variant is not present in population databases (gnomAD no frequency).